The following is an entry in ClinVar:

NM_015450.3(POT1):c.92T>G (p.Phe31Cys)

Gene: POT1 (protection of telomeres 1; minus strand). Cytogenetic location: 7q31.33.
Variant type: single nucleotide variant.
Coding change: c.92T>G on transcript NM_015450.3 (MANE Select); coding-DNA position 92, T replaced by G.
Protein change: p.Phe31Cys; replaces phenylalanine 31 with cysteine.
Molecular consequence: missense variant. On other transcripts: 5 prime UTR variant (1), non-coding transcript variant (3).
Genome position (GRCh38, 1-based): chr7:124,892,298, A>C on the plus strand (T>G on the coding strand, the complement: POT1 is on the minus strand). VCF-style: chr7-124892298-A-C. GRCh37 (hg19) VCF-style: chr7-124532352-A-C.
Other names: c.-171T>G (NM_001042594.2); short protein forms F31C.
Identifiers: ClinVar variation 1766502 (VCV001766502.3), dbSNP rs1489113369, ClinGen allele CA369066080.

ClinVar aggregate classification (germline): Uncertain significance. Review status: criteria provided, multiple submitters, no conflicts (2 of 4 stars). 2 submissions from 2 submitters: Uncertain significance (2). Last evaluated 2025-07-08.

Conditions:
Tumor predisposition syndrome 3 (TPDS3). Also called: Melanoma, cutaneous malignant, susceptibility to, 10; Glioma susceptibility 9; LONG TELOMERE SYNDROME, POT1-RELATED; POT1 Tumor Predisposition. Identifiers: Orphanet 618, MedGen C4014476, MONDO:0014368, OMIM 615848.
Hereditary cancer-predisposing syndrome. Also called: Hereditary Cancer Syndrome; Hereditary neoplastic syndrome; Neoplastic Syndromes, Hereditary; Tumor predisposition. Identifiers: Orphanet 140162, MedGen C0027672, MeSH D009386, MONDO:0015356.

Submissions (2):

Labcorp Genetics (formerly Invitae), Labcorp
Classification: Uncertain significance for Tumor predisposition syndrome 3. Last evaluated: 2025-07-08. Review status: criteria provided, single submitter. Criteria: Invitae Variant Classification Sherloc (09022015). Collection method: clinical testing. Allele origin: germline.
Comment: This sequence change replaces phenylalanine, which is neutral and non-polar, with cysteine, which is neutral and slightly polar, at codon 31 of the POT1 protein (p.Phe31Cys). This variant is not present in population databases (gnomAD no frequency). This variant has not been reported in the literature in individuals affected with POT1-related conditions. ClinVar contains an entry for this variant (Variation ID: 1766502). Invitae Evidence Modeling of protein sequence and biophysical properties (such as structural, functional, and spatial information, amino acid conservation, physicochemical variation, residue mobility, and thermodynamic stability) indicates that this missense variant is not expected to disrupt POT1 protein function with a negative predictive value of 80%. In summary, the available evidence is currently insufficient to determine the role of this variant in disease. Therefore, it has been classified as a Variant of Uncertain Significance.

Ambry Genetics
Classification: Uncertain significance for Hereditary cancer-predisposing syndrome. Last evaluated: 2022-01-13. Review status: criteria provided, single submitter. Criteria: Ambry Variant Classification Scheme 2023. Collection method: clinical testing. Allele origin: germline.
Comment: The p.F31C variant (also known as c.92T>G), located in coding exon 2 of the POT1 gene, results from a T to G substitution at nucleotide position 92. The phenylalanine at codon 31 is replaced by cysteine, an amino acid with highly dissimilar properties. This amino acid position is highly conserved in available vertebrate species. In addition, this alteration is predicted to be deleterious by in silico analysis.Since supporting evidence is limited at this time, the clinical significance of this alteration remains unclear.